The following is an entry in ClinVar:

ClinVar aggregate classification (germline): Conflicting classifications of pathogenicity. Review status: criteria provided, conflicting classifications (1 of 4 stars). 2 submissions from 2 submitters: Pathogenic (1); Uncertain significance (1). Last evaluated 2022-10-29.

Conditions:
Nicolaides-Baraitser syndrome (NCBRS). Also called: Intellectual disability-sparse hair-brachydactyly syndrome; SMARCA2-Related Nicolaides-Baraitser Syndrome. Identifiers: Orphanet 3051, MedGen C1303073, MONDO:0011053, OMIM 601358.

Submissions (2):

Labcorp Genetics (formerly Invitae), Labcorp
Classification: Pathogenic. Last evaluated: 2022-10-29. Review status: criteria provided, single submitter. Criteria: Invitae Variant Classification Sherloc (09022015). Collection method: clinical testing. Allele origin: germline.
Comment: This variant disrupts the p.Lys755 amino acid residue in SMARCA2. Other variant(s) that disrupt this residue have been determined to be pathogenic (PMID: 22366787, 31288860). This suggests that this residue is clinically significant, and that variants that disrupt this residue are likely to be disease-causing. This sequence change replaces lysine, which is basic and polar, with asparagine, which is neutral and polar, at codon 755 of the SMARCA2 protein (p.Lys755Asn). This variant is not present in population databases (gnomAD no frequency). This missense change has been observed in individual(s) with clinical features of Nicolaides-Baraitser syndrome (Invitae). In at least one individual the variant was observed to be de novo. Advanced modeling of protein sequence and biophysical properties (such as structural, functional, and spatial information, amino acid conservation, physicochemical variation, residue mobility, and thermodynamic stability) performed at Invitae indicates that this missense variant is expected to disrupt SMARCA2 protein function. For these reasons, this variant has been classified as Pathogenic.

Neuberg Centre For Genomic Medicine, NCGM
Classification: Uncertain significance for Nicolaides-Baraitser syndrome. Review status: criteria provided, single submitter. Criteria: ACMG Guidelines, 2015. Collection method: clinical testing. Allele origin: germline. Inheritance: Autosomal dominant inheritance. Affected: yes.
Comment: The observed missense variant c.2265G>C(p.Lys755Asn) in SMARCA2 gene has not been reported previously as a pathogenic variant nor as a benign variant, to our knowledge. A different amino acid change c.2264A>G(p.Lys755Arg) as a known pathogenic variant has been submitted to ClinVar (Van Houdt JK, et al., 2012). This variant is absent in gnomAD Exomes. It has been submitted to ClinVar database as Pathogenic (single submission). However, the available evidence is insufficient to determine its pathogenicity. The amino acid Lys at position 755 is changed to a Asn changing protein sequence and it might alter its composition and physico-chemical properties. The reference amino acid p.Lys755Asn in SMARCA2 is predicted as conserved by GERP++ and PhyloP across 100 vertebrates. Multiple lines of computational evidence (Polyphen-probably damaging, SIFT-damaging and MutationTaster-disease causing) predict a damaging effect on protein structure and function for this variant. For these reasons, this variant has been classified as Uncertain Significance.

Literature cited by the submitters: PubMed 22366787 (cited by Labcorp Genetics (formerly Invitae), Labcorp); PubMed 31288860 (cited by Labcorp Genetics (formerly Invitae), Labcorp).

NM_003070.5(SMARCA2):c.2265G>C (p.Lys755Asn)

Gene: SMARCA2 (SWI/SNF related BAF chromatin remodeling complex subunit ATPase 2; plus strand). Cytogenetic location: 9p24.3.
Variant type: single nucleotide variant.
Coding change: c.2265G>C on transcript NM_003070.5 (MANE Select); coding-DNA position 2265, G replaced by C.
Protein change: p.Lys755Asn; replaces lysine 755 with asparagine.
Molecular consequence: missense variant.
Genome position (GRCh38, 1-based): chr9:2,081,912, G>C. VCF-style: chr9-2081912-G-C. GRCh37 (hg19) VCF-style: chr9-2081912-G-C.
Other names: c.2265G>C, p.Lys755Asn (NM_001289396.2, NM_001289397.2, NM_139045.4); short protein forms K755N.
Identifiers: ClinVar variation 2028592 (VCV002028592.4), dbSNP rs2537331772, ClinGen allele CA372784164.
Genomic context (GRCh38, chr9:2,081,912, plus strand): 5'-GGTTTCCCTGTATAATAACAACTTGAACGGAATCTTAGCCGATGAAATGGGGCTTGGAAA[G>C]ACCATACAGACCATTGCACTCATCACTTATCTGATGGAGCACAAAAGACTCAATGGCCCC-3'
Protein context (NP_003061.3, residues 745-765): GILADEMGLG[Lys755Asn]TIQTIALITY